The following is an entry in ClinVar:

ClinVar aggregate classification (germline): Uncertain significance. Review status: criteria provided, multiple submitters, no conflicts (2 of 4 stars). 2 submissions from 2 submitters: Uncertain significance (2). Last evaluated 2025-06-10.

Conditions:
Charcot-Marie-Tooth disease type 2. Also called: Charcot-Marie-Tooth type 2. Identifiers: Orphanet 64746, MedGen C0270914, MONDO:0018993.
Cardiomyopathy (CMYO). Also called: Cardiomyopathies. Identifiers: Orphanet 167848, MedGen C0878544, MONDO:0004994, HP:0001638. Inheritance: Various modes of inheritance.

gnomAD v4.1: 1 of 1,614,186 alleles (0.000062%); highest among the groups gnomAD compares: Non-Finnish European, 0.000085%; no homozygotes.

Submissions (2):

Color Diagnostics, LLC DBA Color Health
Classification: Uncertain significance for Cardiomyopathy. Last evaluated: 2025-06-10. Review status: criteria provided, single submitter. Criteria: ACMG Guidelines, 2015. Collection method: clinical testing. Allele origin: germline.
Comment: This missense variant replaces aspartic acid with glutamic acid at codon 357 of the LMNA protein. Computational prediction suggests that this variant may not impact protein structure and function. To our knowledge, functional studies have not been reported for this variant. This variant has not been reported in individuals affected with LMNA-related disorders in the literature. This variant has not been identified in the general population by the Genome Aggregation Database (gnomAD). The available evidence is insufficient to determine the role of this variant in disease conclusively. Therefore, this variant is classified as a Variant of Uncertain Significance.

Labcorp Genetics (formerly Invitae), Labcorp
Classification: Uncertain significance for Charcot-Marie-Tooth disease type 2. Last evaluated: 2024-09-17. Review status: criteria provided, single submitter. Criteria: Invitae Variant Classification Sherloc (09022015). Collection method: clinical testing. Allele origin: germline.
Comment: This sequence change replaces aspartic acid, which is acidic and polar, with glutamic acid, which is acidic and polar, at codon 357 of the LMNA protein (p.Asp357Glu). This variant is not present in population databases (gnomAD no frequency). This variant has not been reported in the literature in individuals affected with LMNA-related conditions. ClinVar contains an entry for this variant (Variation ID: 1462026). Invitae Evidence Modeling of protein sequence and biophysical properties (such as structural, functional, and spatial information, amino acid conservation, physicochemical variation, residue mobility, and thermodynamic stability) has been performed for this missense variant. However, the output from this modeling did not meet the statistical confidence thresholds required to predict the impact of this variant on LMNA protein function. This variant disrupts the p.Asp357 amino acid residue in LMNA. Other variant(s) that disrupt this residue have been observed in individuals with LMNA-related conditions (PMID: 18480576, 22224630, 26573435), which suggests that this may be a clinically significant amino acid residue. In summary, the available evidence is currently insufficient to determine the role of this variant in disease. Therefore, it has been classified as a Variant of Uncertain Significance.

Literature cited by the submitters: PubMed 18480576 (cited by Labcorp Genetics (formerly Invitae), Labcorp); PubMed 22224630 (cited by Labcorp Genetics (formerly Invitae), Labcorp); PubMed 26573435 (cited by Labcorp Genetics (formerly Invitae), Labcorp).

NM_170707.4(LMNA):c.1071C>A (p.Asp357Glu)

Gene: LMNA (lamin A/C; plus strand). Cytogenetic location: 1q22.
Variant type: single nucleotide variant.
Coding change: c.1071C>A on transcript NM_170707.4 (MANE Select); coding-DNA position 1071, C replaced by A.
Protein change: p.Asp357Glu; replaces aspartic acid 357 with glutamic acid.
Molecular consequence: missense variant.
Genome position (GRCh38, 1-based): chr1:156,136,035, C>A. VCF-style: chr1-156136035-C-A. GRCh37 (hg19) VCF-style: chr1-156105826-C-A.
Other names: c.735C>A, p.Asp245Glu (NM_001257374.3); c.828C>A, p.Asp276Glu (NM_001282624.2); c.1071C>A, p.Asp357Glu (NM_001282625.2, NM_001282626.2, NM_005572.4 and 1 more transcripts); short protein forms D276E, D357E, D245E.
Identifiers: ClinVar variation 1462026 (VCV001462026.8), dbSNP rs376875762, ClinGen allele CA342820316.
Genomic context (GRCh38, chr1:156,136,035, plus strand): 5'-GCTGGCGGAAAAGGAGCGGGAGATGGCCGAGATGCGGGCAAGGATGCAGCAGCAGCTGGA[C>A]GAGTACCAGGAGCTTCTGGACATCAAGCTGGCCCTGGACATGGAGATCCACGCCTACCGC-3'
Protein context (NP_733821.1, residues 347-367): EMRARMQQQL[Asp357Glu]EYQELLDIKL